The following is an entry in ClinVar:

ClinVar aggregate classification (germline): Uncertain significance. Review status: criteria provided, multiple submitters, no conflicts (2 of 4 stars). 2 submissions from 2 submitters: Uncertain significance (2). Last evaluated 2024-12-03.

Conditions:
Tuberous sclerosis 1 (TSC1). Identifiers: Orphanet 805, MedGen C1854465, MONDO:0008612, OMIM 191100.

Submissions (2):

GeneDx
Classification: Uncertain significance. Last evaluated: 2024-12-03. Review status: criteria provided, single submitter. Criteria: GeneDx Variant Classification Process June 2021. Collection method: clinical testing. Allele origin: germline. Affected: yes.
Comment: Not observed at significant frequency in large population cohorts (gnomAD); In silico analysis indicates that this missense variant does not alter protein structure/function; Has not been previously published as pathogenic or benign to our knowledge; This variant is associated with the following publications: (PMID: 18466115)

Labcorp Genetics (formerly Invitae), Labcorp
Classification: Uncertain significance for Tuberous sclerosis 1. Last evaluated: 2022-11-01. Review status: criteria provided, single submitter. Criteria: Invitae Variant Classification Sherloc (09022015). Collection method: clinical testing. Allele origin: germline.
Comment: In summary, the available evidence is currently insufficient to determine the role of this variant in disease. Therefore, it has been classified as a Variant of Uncertain Significance. Advanced modeling of protein sequence and biophysical properties (such as structural, functional, and spatial information, amino acid conservation, physicochemical variation, residue mobility, and thermodynamic stability) has been performed at Invitae for this missense variant, however the output from this modeling did not meet the statistical confidence thresholds required to predict the impact of this variant on TSC1 protein function. ClinVar contains an entry for this variant (Variation ID: 1012114). This variant has not been reported in the literature in individuals affected with TSC1-related conditions. This variant is not present in population databases (gnomAD no frequency). This sequence change replaces leucine, which is neutral and non-polar, with proline, which is neutral and non-polar, at codon 827 of the TSC1 protein (p.Leu827Pro).

NM_000368.5(TSC1):c.2480T>C (p.Leu827Pro)

Gene: TSC1 (TSC complex subunit 1; minus strand). Cytogenetic location: 9q34.13.
Variant type: single nucleotide variant.
Coding change: c.2480T>C on transcript NM_000368.5 (MANE Select); coding-DNA position 2480, T replaced by C.
Protein change: p.Leu827Pro; replaces leucine 827 with proline.
Molecular consequence: missense variant.
Genome position (GRCh38, 1-based): chr9:132,901,611, A>G on the plus strand (T>C on the coding strand, the complement: TSC1 is on the minus strand). VCF-style: chr9-132901611-A-G. GRCh37 (hg19) VCF-style: chr9-135776998-A-G.
Other names: c.2477T>C, p.Leu826Pro (NM_001162426.2); c.2327T>C, p.Leu776Pro (NM_001162427.2); c.2117T>C, p.Leu706Pro (NM_001362177.2); c.2480T>C (NM_000368.4); short protein forms L706P, L776P, L826P, L827P.
Identifiers: ClinVar variation 1012114 (VCV001012114.9), dbSNP rs1845374191, ClinGen allele CA375358285.